The following is an entry in ClinVar:

ClinVar aggregate classification (germline): Uncertain significance (1 of 4 stars; one submission).

Conditions:
Hereditary cancer-predisposing syndrome. Also called: Neoplastic Syndromes, Hereditary; Tumor predisposition; Hereditary neoplastic syndrome; Hereditary Cancer Syndrome. Identifiers: Orphanet 140162, MedGen C0027672, MeSH D009386, MONDO:0015356.

Submission:

Ambry Genetics
Classification: Uncertain significance for Hereditary cancer-predisposing syndrome. Last evaluated: 2026-07-02. Review status: criteria provided, single submitter. Criteria: Ambry Variant Classification Scheme 2023. Collection method: clinical testing. Allele origin: germline.
Comment: The p.D917V variant (also known as c.2750A>T), located in coding exon 15 of the APC gene, results from an A to T substitution at nucleotide position 2750. The aspartic acid at codon 917 is replaced by valine, an amino acid with highly dissimilar properties. This amino acid position is conserved. In addition, in silico predictors for this gene do not accurately predict pathogenicity. Based on the available evidence, the clinical significance of this variant remains unclear.

NM_000038.6(APC):c.2750A>T (p.Asp917Val)

Gene: APC (APC regulator of Wnt signaling pathway; plus strand). Cytogenetic location: 5q22.2.
Variant type: single nucleotide variant.
Coding change: c.2750A>T on transcript NM_000038.6 (MANE Select); coding-DNA position 2750, A replaced by T.
Protein change: p.Asp917Val; replaces aspartic acid 917 with valine.
Molecular consequence: missense variant. On other transcripts: non-coding transcript variant (2).
Genome position (GRCh38, 1-based): chr5:112,838,344, A>T. VCF-style: chr5-112838344-A-T. GRCh37 (hg19) VCF-style: chr5-112174041-A-T.
Other names: c.2501A>T, p.Asp834Val (NM_001407455.1, NM_001407456.1, NM_001407457.1 and 1 more transcripts); c.2447A>T, p.Asp816Val (NM_001407458.1, NM_001407459.1, NM_001407460.1 and 1 more transcripts); c.2363A>T, p.Asp788Val (NM_001407467.1, NM_001407469.1); c.1901A>T, p.Asp634Val (NM_001407470.1, NM_001354906.2); c.1598A>T, p.Asp533Val (NM_001407471.1, NM_001407472.1); c.2834A>T, p.Asp945Val (NM_001407446.1); c.2804A>T, p.Asp935Val (NM_001407447.1, NM_001407448.1, NM_001407449.1 and 1 more transcripts); c.2750A>T, p.Asp917Val (NM_001407450.1, NM_001127510.3, NM_001354895.2); and 11 more; short protein forms D788V, D826V, D834V, D858V, D876V, D917V, D927V, D533V.
Identifiers: ClinVar variation 5024857 (VCV005024857.1).